The following is an entry in ClinVar:

ClinVar aggregate classification (germline): Uncertain significance. Review status: criteria provided, multiple submitters, no conflicts (2 of 4 stars). 3 submissions from 3 submitters: Uncertain significance (3). Last evaluated 2026-08-28.

Conditions:
CYP11B1-related disorder. Also called: CYP11B1-related condition.
Deficiency of steroid 11-beta-monooxygenase (CYP11B1). Also called: ADRENAL HYPERPLASIA, CONGENITAL, DUE TO STEROID 11-BETA-HYDROXYLASE DEFICIENCY; 11-BETA-HYDROXYLASE DEFICIENCY; P450C11B1 DEFICIENCY; STEROID 11-BETA-HYDROXYLASE DEFICIENCY; Congenital adrenal hyperplasia due to 11-beta-hydroxylase deficiency; ADRENAL HYPERPLASIA IV. Identifiers: Orphanet 90795, MedGen C0268292, MONDO:0008729, OMIM 202010. Disease mechanism: loss of function.
Glucocorticoid-remediable aldosteronism. Also called: ACTH-DEPENDENT HYPERALDOSTERONISM SYNDROME; ALDOSTERONISM, SENSITIVE TO DEXAMETHASONE; FH I; GLUCOCORTICOID-SUPPRESSIBLE HYPERALDOSTERONISM; Hyperaldosteronism, familial, type I. Identifiers: Orphanet 403, MedGen C3838731, MONDO:0007080, OMIM 103900.
Inborn genetic diseases. Identifiers: MedGen C0950123, MeSH D030342.

Allele frequency attached by ClinVar (database versions not stated): ExAC 0.00009; TOPMed 0.00009; gnomAD 0.00019; gnomAD exomes 0.00024; ESP Exome Variant Server 0.00031.
gnomAD v4.1: 367 of 1,613,676 alleles (0.023%); highest among the groups gnomAD compares: Non-Finnish European, 0.03%; no homozygotes.

Submissions (3):

PreventionGenetics, part of Exact Sciences
Classification: Uncertain significance for CYP11B1-related condition. Last evaluated: 2026-08-28. Review status: criteria provided, single submitter. Criteria: ACMG Guidelines, 2015. Collection method: clinical testing. Allele origin: germline.
Comment: The CYP11B1 c.1064C>T variant is predicted to result in the amino acid substitution p.Pro355Leu. To our knowledge, this variant has not been reported in the literature. This variant is reported in 0.028% of alleles in individuals of European (Finnish) descent in gnomAD. This variant falls within a highly paralogous region. Allele frequency data should be interpreted with caution. At this time, the clinical significance of this variant is uncertain due to the absence of conclusive functional and genetic evidence.

Fulgent Genetics
Classification: Uncertain significance for Glucocorticoid-remediable aldosteronism; Deficiency of steroid 11-beta-monooxygenase. Last evaluated: 2024-04-23. Review status: criteria provided, single submitter. Criteria: ACMG Guidelines, 2015. Collection method: clinical testing. Allele origin: germline.

Ambry Genetics
Classification: Uncertain significance for Inborn genetic diseases. Last evaluated: 2023-08-20. Review status: criteria provided, single submitter. Criteria: Ambry Variant Classification Scheme 2023. Collection method: clinical testing. Allele origin: germline.

NM_000497.4(CYP11B1):c.1064C>T (p.Pro355Leu)

Genes: CYP11B1 (cytochrome P450 family 11 subfamily B member 1; minus strand), LOC106799833 (CYP11B1 recombination region; plus strand). Cytogenetic location: 8q24.3.
Variant type: single nucleotide variant.
Coding change: c.1064C>T on transcript NM_000497.4 (MANE Select); coding-DNA position 1064, C replaced by T.
Protein change: p.Pro355Leu; replaces proline 355 with leucine.
Molecular consequence: missense variant.
Genome position (GRCh38, 1-based): chr8:142,875,769, G>A on the plus strand (C>T on the coding strand, the complement: CYP11B1 is on the minus strand). VCF-style: chr8-142875769-G-A. GRCh37 (hg19) VCF-style: chr8-143957185-G-A.
Other names: c.1064C>T, p.Pro355Leu (NM_001026213.1); short protein forms P355L.
Identifiers: ClinVar variation 2591067 (VCV002591067.4), dbSNP rs200197179, ClinGen allele CA4905170.